The following is an entry in ClinVar:

ClinVar aggregate classification (germline): Uncertain significance (1 of 4 stars; one submission).

Conditions:
Autoimmune interstitial lung disease-arthritis syndrome. Also called: Autoinflammation and autoimmunity, systemic, with immune dysregulation. Identifiers: Orphanet 444092, MedGen C5975714, MONDO:0014629.

Submission:

Labcorp Genetics (formerly Invitae), Labcorp
Classification: Uncertain significance for Autoimmune interstitial lung disease-arthritis syndrome. Last evaluated: 2021-12-26. Review status: criteria provided, single submitter. Criteria: Invitae Variant Classification Sherloc (09022015). Collection method: clinical testing. Allele origin: germline.
Comment: In summary, the available evidence is currently insufficient to determine the role of this variant in disease. Therefore, it has been classified as a Variant of Uncertain Significance. Advanced modeling of protein sequence and biophysical properties (such as structural, functional, and spatial information, amino acid conservation, physicochemical variation, residue mobility, and thermodynamic stability) performed at Invitae indicates that this missense variant is not expected to disrupt COPA protein function. This variant has not been reported in the literature in individuals affected with COPA-related conditions. This variant is not present in population databases (gnomAD no frequency). This sequence change replaces aspartic acid, which is acidic and polar, with alanine, which is neutral and non-polar, at codon 838 of the COPA protein (p.Asp838Ala).

NM_004371.4(COPA):c.2513A>C (p.Asp838Ala)

Gene: COPA (coat protein complex I subunit alpha; minus strand). Cytogenetic location: 1q23.2.
Variant type: single nucleotide variant.
Coding change: c.2513A>C on transcript NM_004371.4 (MANE Select); coding-DNA position 2513, A replaced by C.
Protein change: p.Asp838Ala; replaces aspartic acid 838 with alanine.
Molecular consequence: missense variant.
Genome position (GRCh38, 1-based): chr1:160,294,821, T>G on the plus strand (A>C on the coding strand, the complement: COPA is on the minus strand). VCF-style: chr1-160294821-T-G. GRCh37 (hg19) VCF-style: chr1-160264611-T-G.
Other names: c.2540A>C, p.Asp847Ala (NM_001098398.2); short protein forms D838A, D847A.
Identifiers: ClinVar variation 2061579 (VCV002061579.4), dbSNP rs1658348234, ClinGen allele CA343276031.
Genomic context (GRCh38, chr1:160,294,821, plus strand): 5'-CTTTTACCTTCATCCAACTGCAGCTCTGCATCCTCTCCCCAGCCCTCTGTACCAACAGTG[T>G]CAATGTCAATGTCAGCAGCCAGTGCTCCTCCCTTCCCTACAGAGGGAAGGAACAGAACGG-3'
Protein context (NP_004362.2, residues 828-848): GGALAADIDI[Asp838Ala]TVGTEGWGED